The following is an entry in ClinVar:

ClinVar aggregate classification (germline): Likely pathogenic (1 of 4 stars; one submission).

Conditions:
Baller-Gerold syndrome (BGS). Also called: CRANIOSYNOSTOSIS WITH RADIAL DEFECTS. Identifiers: Orphanet 1225, MedGen C0265308, MONDO:0009039, OMIM 218600.

Allele frequency attached by ClinVar (database versions not stated): gnomAD exomes below 0.00001.
gnomAD v4.1: 1 of 1,566,598 alleles (0.000064%); highest among the groups gnomAD compares: African/African-American, 0.0014%; no homozygotes.

Submission:

Labcorp Genetics (formerly Invitae), Labcorp
Classification: Likely pathogenic for Baller-Gerold syndrome. Last evaluated: 2025-08-07. Review status: criteria provided, single submitter. Criteria: Invitae Variant Classification Sherloc (09022015). Collection method: clinical testing. Allele origin: germline.
Comment: This sequence change affects a donor splice site in intron 8 of the RECQL4 gene. It is expected to disrupt RNA splicing. Variants that disrupt the donor or acceptor splice site typically lead to a loss of protein function (PMID: 16199547), and loss-of-function variants in RECQL4 are known to be pathogenic (PMID: 12734318, 12952869). This variant is not present in population databases (gnomAD no frequency). This variant has not been reported in the literature in individuals affected with RECQL4-related conditions. ClinVar contains an entry for this variant (Variation ID: 1473984). Algorithms developed to predict the effect of sequence changes on RNA splicing suggest that this variant may disrupt the consensus splice site. In summary, the currently available evidence indicates that the variant is pathogenic, but additional data are needed to prove that conclusively. Therefore, this variant has been classified as Likely Pathogenic.

Literature cited by the submitters: PubMed 16199547; PubMed 12734318; PubMed 12952869.

NM_004260.4(RECQL4):c.1483+1G>A

Gene: RECQL4 (RecQ like helicase 4; minus strand). Cytogenetic location: 8q24.3.
Variant type: single nucleotide variant.
Coding change: c.1483+1G>A on transcript NM_004260.4 (MANE Select); the canonical splice donor site of the intron after coding-DNA position 1483, G replaced by A.
Molecular consequence: splice donor variant.
Genome position (GRCh38, 1-based): chr8:144,515,149, C>T on the plus strand (G>A on the coding strand, the complement: RECQL4 is on the minus strand). VCF-style: chr8-144515149-C-T. GRCh37 (hg19) VCF-style: chr8-145740533-C-T.
Other names: c.1354+1G>A (NM_001413025.1); c.1132+1G>A (NM_001413029.1); c.346+1G>A (NM_001413032.1, NM_001413027.1, NM_001413031.1 and 2 more transcripts); c.412+1G>A (NM_001413035.1, NM_001413040.1, NM_001413021.1 and 8 more transcripts); c.1387+1G>A (NM_001413017.1, NM_001413020.1); c.1483+1G>A (NM_001413039.1, NM_001413033.1, NM_001413018.1 and 2 more transcripts); c.16+1G>A (NM_001413043.1).
Identifiers: ClinVar variation 1473984 (VCV001473984.6), dbSNP rs1827970204, ClinGen allele CA372684473.